The following is an entry in ClinVar:

ClinVar aggregate classification (germline): Likely benign. Review status: criteria provided, multiple submitters, no conflicts (2 of 4 stars). 2 submissions from 2 submitters: Likely benign (2). Last evaluated 2024-04-22.

Conditions:
Ataxia-telangiectasia syndrome (AT). Also called: Cerebello-oculocutaneous telangiectasia; Immunodeficiency with ataxia telangiectasia; LOUIS-BAR SYNDROME; Ataxia-telangiectasia, complementation group D; AT, COMPLEMENTATION GROUP C; Ataxia-telangiectasia. Identifiers: Orphanet 100, MedGen C0004135, MONDO:0008840, OMIM 208900.
Familial cancer of breast. Also called: hereditary breast carcinoma; BREAST CANCER, FAMILIAL; Hereditary breast cancer. Identifiers: Orphanet 227535, MedGen C0346153, MONDO:0016419, OMIM 114480. Disease mechanism: loss of function.

Submissions (2):

Myriad Genetics, Inc.
Classification: Likely benign for Familial cancer of breast. Last evaluated: 2024-04-22. Review status: criteria provided, single submitter. Criteria: Myriad Autosomal Dominant, Autosomal Recessive and X-Linked Classification Criteria (2023). Collection method: clinical testing. Allele origin: unknown.
Comment: This variant is considered likely benign. This variant is intronic and is not expected to impact mRNA splicing.

Labcorp Genetics (formerly Invitae), Labcorp
Classification: Likely benign for Ataxia-telangiectasia syndrome. Last evaluated: 2021-10-19. Review status: criteria provided, single submitter. Criteria: Invitae Variant Classification Sherloc (09022015). Collection method: clinical testing. Allele origin: germline.

NM_000051.4(ATM):c.663-12G>C

Gene: ATM (ATM serine/threonine kinase; plus strand). Cytogenetic location: 11q22.3.
Variant type: single nucleotide variant.
Coding change: c.663-12G>C on transcript NM_000051.4 (MANE Select); 12 bases into the intron before coding-DNA position 663, G replaced by C.
Molecular consequence: intron variant.
Genome position (GRCh38, 1-based): chr11:108,244,776, G>C. VCF-style: chr11-108244776-G-C. GRCh37 (hg19) VCF-style: chr11-108115503-G-C.
Other names: c.663-12G>C (NM_001351834.2).
Identifiers: ClinVar variation 1563237 (VCV001563237.9), dbSNP rs2135236291, ClinGen allele CA2573146450.